The following is an entry in ClinVar:

NM_001447.3(FAT2):c.298_299insGCTGCTCAA (p.Thr99_Lys100insSerCysSer)

Gene: FAT2 (FAT atypical cadherin 2; minus strand). Cytogenetic location: 5q33.1.
Variant type: Insertion.
Coding change: c.298_299insGCTGCTCAA on transcript NM_001447.3 (MANE Select); coding-DNA positions 298 to 299, GCTGCTCAA inserted.
Protein change: p.Thr99_Lys100insSerCysSer.
Genome position: GRCh38 VCF-style: chr5-151568633-T-TTTGAGCAGC. GRCh37 (hg19) VCF-style: chr5-150948194-T-TTTGAGCAGC.
Identifiers: ClinVar variation 3650925 (VCV003650925.2).

ClinVar aggregate classification (germline): Uncertain significance (1 of 4 stars; one submission).

Submission:

Labcorp Genetics (formerly Invitae), Labcorp
Classification: Uncertain significance. Last evaluated: 2024-10-17. Review status: criteria provided, single submitter. Criteria: Invitae Variant Classification Sherloc (09022015). Collection method: clinical testing. Allele origin: germline.
Comment: This variant, c.298_299insGCTGCTCAA, results in the insertion of 3 amino acid(s) of the FAT2 protein (p.Thr99_Lys100insSerCysSer), but otherwise preserves the integrity of the reading frame. This variant is not present in population databases (gnomAD no frequency). This variant has not been reported in the literature in individuals affected with FAT2-related conditions. In summary, the available evidence is currently insufficient to determine the role of this variant in disease. Therefore, it has been classified as a Variant of Uncertain Significance.